The following is an entry in ClinVar:

NM_002087.4(GRN):c.881A>G (p.Tyr294Cys)

Gene: GRN (granulin precursor; plus strand). Cytogenetic location: 17q21.31.
Variant type: single nucleotide variant.
Coding change: c.881A>G on transcript NM_002087.4 (MANE Select); coding-DNA position 881, A replaced by G.
Protein change: p.Tyr294Cys; replaces tyrosine 294 with cysteine.
Molecular consequence: missense variant.
Genome position (GRCh38, 1-based): chr17:44,351,408, A>G. VCF-style: chr17-44351408-A-G. GRCh37 (hg19) VCF-style: chr17-42428776-A-G.
Other names: c.881A>G (NM_002087.2); short protein forms Y294C.
Identifiers: ClinVar variation 1385125 (VCV001385125.7), dbSNP rs752345618, ClinGen allele CA8602051.

ClinVar aggregate classification (germline): Uncertain significance. Review status: criteria provided, multiple submitters, no conflicts (2 of 4 stars). 2 submissions from 2 submitters: Uncertain significance (2). Last evaluated 2025-10-13.

Conditions:
GRN-related frontotemporal lobar degeneration with Tdp43 inclusions (FTD2). Also called: DEMENTIA, HEREDITARY DYSPHASIC DISINHIBITION; FRONTOTEMPORAL LOBAR DEGENERATION WITH UBIQUITIN-POSITIVE INCLUSIONS; FTLD-TDP, GRN-RELATED; GRN Frontotemporal Dementia; FRONTOTEMPORAL DEMENTIA WITH TDP43 INCLUSIONS, GRN-RELATED. Identifiers: Orphanet 100070, Orphanet 282, MedGen C1843792, MONDO:0011842, OMIM 607485. Disease mechanism: loss of function.
Neuronal ceroid lipofuscinosis 11. Also called: GRN-Related Neuronal Ceroid-Lipofuscinosis. Identifiers: Orphanet 314629, Orphanet 79262, MedGen C3539123, MONDO:0013866, OMIM 614706.
Inborn genetic diseases. Identifiers: MedGen C0950123, MeSH D030342.

Allele frequency attached by ClinVar (database versions not stated): gnomAD exomes 0.00001 and below 0.00001; ExAC 0.00002; TOPMed 0.00004; gnomAD 0.00006.
gnomAD v4.1: 11 of 1,613,496 alleles (0.00068%); highest among the groups gnomAD compares: African/African-American, 0.0094%; no homozygotes.

Submissions (2):

Labcorp Genetics (formerly Invitae), Labcorp
Classification: Uncertain significance for Neuronal ceroid lipofuscinosis 11; GRN-related frontotemporal lobar degeneration with Tdp43 inclusions. Last evaluated: 2025-10-13. Review status: criteria provided, single submitter. Criteria: Invitae Variant Classification Sherloc (09022015). Collection method: clinical testing. Allele origin: germline.
Comment: This sequence change replaces tyrosine, which is neutral and polar, with cysteine, which is neutral and slightly polar, at codon 294 of the GRN protein (p.Tyr294Cys). This variant is present in population databases (rs752345618, gnomAD 0.01%). This missense change has been observed in individual(s) with frontotemporal lobar degeneration (PMID: 22459598). ClinVar contains an entry for this variant (Variation ID: 1385125). Invitae Evidence Modeling of protein sequence and biophysical properties (such as structural, functional, and spatial information, amino acid conservation, physicochemical variation, residue mobility, and thermodynamic stability) has been performed for this missense variant. However, the output from this modeling did not meet the statistical confidence thresholds required to predict the impact of this variant on GRN protein function. In summary, the available evidence is currently insufficient to determine the role of this variant in disease. Therefore, it has been classified as a Variant of Uncertain Significance.

Ambry Genetics
Classification: Uncertain significance for Inborn genetic diseases. Last evaluated: 2023-09-13. Review status: criteria provided, single submitter. Criteria: Ambry Variant Classification Scheme 2023. Collection method: clinical testing. Allele origin: germline.

Literature cited by the submitters: PubMed 22459598 (cited by Labcorp Genetics (formerly Invitae), Labcorp and Ambry Genetics).